The following is an entry in ClinVar:

NM_002582.4(PARN):c.1891A>G (p.Thr631Ala)

Gene: PARN (poly(A)-specific ribonuclease; minus strand). Cytogenetic location: 16p13.12.
Variant type: single nucleotide variant.
Coding change: c.1891A>G on transcript NM_002582.4 (MANE Select); coding-DNA position 1891, A replaced by G.
Protein change: p.Thr631Ala; replaces threonine 631 with alanine.
Molecular consequence: missense variant.
Genome position (GRCh38, 1-based): chr16:14,436,746, T>C on the plus strand (A>G on the coding strand, the complement: PARN is on the minus strand). VCF-style: chr16-14436746-T-C. GRCh37 (hg19) VCF-style: chr16-14530603-T-C.
Other names: c.1708A>G, p.Thr570Ala (NM_001134477.3); c.1753A>G, p.Thr585Ala (NM_001242992.2); short protein forms T570A, T585A, T631A.
Identifiers: ClinVar variation 853379 (VCV000853379.35), dbSNP rs200677089, ClinGen allele CA7911891.

ClinVar aggregate classification (germline): Uncertain significance. Review status: criteria provided, multiple submitters, no conflicts (2 of 4 stars). 3 submissions from 3 submitters: Uncertain significance (3). Last evaluated 2026-04-19.

Conditions:
PARN-related disorder. Also called: PARN-related condition; PARN-related disorders.
Dyskeratosis congenita, autosomal recessive 6 (DKCB6). Identifiers: MedGen C4225356, MONDO:0014600, OMIM 616353.
Pulmonary fibrosis and/or bone marrow failure, Telomere-related, 4. Also called: PULMONARY FIBROSIS AND/OR BONE MARROW FAILURE SYNDROME, TELOMERE-RELATED, 4. Identifiers: Orphanet 2032, MedGen C4225347, MONDO:0014612, OMIM 616371.

Allele frequency attached by ClinVar (database versions not stated): gnomAD exomes 0.00003; ExAC 0.00004; gnomAD 0.00005 and 0.00007; TOPMed 0.00006; ESP Exome Variant Server 0.00008; 1000 Genomes Project 0.00020; 1000 Genomes Project 30x 0.00031.
gnomAD v4.1: 45 of 1,598,746 alleles (0.0028%); highest among the groups gnomAD compares: Admixed American, 0.0035%; no homozygotes.

Submissions (3):

PreventionGenetics, part of Exact Sciences
Classification: Uncertain significance for PARN-related condition. Last evaluated: 2026-04-19. Review status: criteria provided, single submitter. Criteria: ACMG Guidelines, 2015. Collection method: clinical testing. Allele origin: germline.
Comment: The PARN c.1891A>G variant is predicted to result in the amino acid substitution p.Thr631Ala. To our knowledge, this variant has not been reported in the literature. This variant is reported in 0.0052% of alleles in individuals of European (Non-Finnish) descent in gnomAD and is reported as uncertain in ClinVar (Variation ID: 853379). At this time, the clinical significance of this variant is uncertain due to the absence of conclusive functional and genetic evidence.

Labcorp Genetics (formerly Invitae), Labcorp
Classification: Uncertain significance for Dyskeratosis congenita, autosomal recessive 6; Pulmonary fibrosis and/or bone marrow failure, Telomere-related, 4. Last evaluated: 2025-11-06. Review status: criteria provided, single submitter. Criteria: Invitae Variant Classification Sherloc (09022015). Collection method: clinical testing. Allele origin: germline.
Comment: This sequence change replaces threonine, which is neutral and polar, with alanine, which is neutral and non-polar, at codon 631 of the PARN protein (p.Thr631Ala). This variant is present in population databases (rs200677089, gnomAD 0.005%). This variant has not been reported in the literature in individuals affected with PARN-related conditions. ClinVar contains an entry for this variant (Variation ID: 853379). An algorithm developed to predict the effect of missense changes on protein structure and function (PolyPhen-2) suggests that this variant is likely to be tolerated. In summary, the available evidence is currently insufficient to determine the role of this variant in disease. Therefore, it has been classified as a Variant of Uncertain Significance.

CeGaT Center for Human Genetics Tuebingen
Classification: Uncertain significance. Last evaluated: 2022-10-01. Review status: criteria provided, single submitter. Criteria: CeGaT Center For Human Genetics Tuebingen Variant Classification Criteria Version 2. Collection method: clinical testing. Allele origin: germline. Affected: yes. Observed: 1 variant allele.
Comment: PARN: PP2, BP4